The following is an entry in ClinVar:

ClinVar aggregate classification (germline): Uncertain significance (1 of 4 stars; one submission).

Submission:

Labcorp Genetics (formerly Invitae), Labcorp
Classification: Uncertain significance. Last evaluated: 2023-09-11. Review status: criteria provided, single submitter. Criteria: Invitae Variant Classification Sherloc (09022015). Collection method: clinical testing. Allele origin: germline.
Comment: This sequence change replaces alanine, which is neutral and non-polar, with serine, which is neutral and polar, at codon 4 of the ANKZF1 protein (p.Ala4Ser). This variant is not present in population databases (gnomAD no frequency). In summary, the available evidence is currently insufficient to determine the role of this variant in disease. Therefore, it has been classified as a Variant of Uncertain Significance. An algorithm developed to predict the effect of missense changes on protein structure and function (PolyPhen-2) suggests that this variant is likely to be tolerated. This variant has not been reported in the literature in individuals affected with ANKZF1-related conditions.

NM_018089.3(ANKZF1):c.10G>T (p.Ala4Ser)

Gene: ANKZF1 (ankyrin repeat and zinc finger peptidyl tRNA hydrolase 1; plus strand). Cytogenetic location: 2q35.
Variant type: single nucleotide variant.
Coding change: c.10G>T on transcript NM_018089.3 (MANE Select); coding-DNA position 10, G replaced by T.
Protein change: p.Ala4Ser; replaces alanine 4 with serine.
Molecular consequence: missense variant. On other transcripts: intron variant (1).
Genome position (GRCh38, 1-based): chr2:219,230,267, G>T. VCF-style: chr2-219230267-G-T. GRCh37 (hg19) VCF-style: chr2-220094989-G-T.
Other names: c.10G>T, p.Ala4Ser (NM_001042410.2); c.-267+367G>T (NM_001282792.2); short protein forms A4S.
Identifiers: ClinVar variation 2823200 (VCV002823200.3), dbSNP rs2544903308, ClinGen allele CA350669897.